The following is an entry in ClinVar:

NM_001122752.2(SERPINI1):c.703G>T (p.Ala235Ser)

Gene: SERPINI1 (serpin family I member 1; plus strand). Cytogenetic location: 3q26.1.
Variant type: single nucleotide variant.
Coding change: c.703G>T on transcript NM_001122752.2 (MANE Select); coding-DNA position 703, G replaced by T.
Protein change: p.Ala235Ser; replaces alanine 235 with serine.
Molecular consequence: missense variant.
Genome position (GRCh38, 1-based): chr3:167,794,646, G>T. VCF-style: chr3-167794646-G-T. GRCh37 (hg19) VCF-style: chr3-167512434-G-T.
Other names: c.703G>T, p.Ala235Ser (NM_005025.5); short protein forms A235S.
Identifiers: ClinVar variation 970514 (VCV000970514.10), dbSNP rs774334657, ClinGen allele CA2694872.
Genomic context (GRCh38, chr3:167,794,646, plus strand): 5'-TAGGCATCTTTTATGGCCTTTATTTTCTTTTTAGGGGAATTTAGTGATGGCTCCAATGAA[G>T]CTGGTGGTATCTACCAAGTCCTAGAAATACCATATGAAGGAGATGAAATAAGCATGATGC-3'
Protein context (NP_001116224.1, residues 225-245): YGEFSDGSNE[Ala235Ser]GGIYQVLEIP

ClinVar aggregate classification (germline): Uncertain significance (1 of 4 stars; one submission).

Conditions:
Familial encephalopathy with neuroserpin inclusion bodies. Also called: ENCEPHALOPATHY, FAMILIAL, WITH COLLINS BODIES. Identifiers: Orphanet 85110, MedGen C1858680, MONDO:0011412, OMIM 604218.

Allele frequency attached by ClinVar (database versions not stated): gnomAD exomes below 0.00001 and 0.00002; gnomAD 0.00001; ExAC 0.00002; TOPMed 0.00005.
gnomAD v4.1: 8 of 1,613,338 alleles (0.0005%); highest among the groups gnomAD compares: African/African-American, 0.011%; no homozygotes.

Submission:

Labcorp Genetics (formerly Invitae), Labcorp
Classification: Uncertain significance for Familial encephalopathy with neuroserpin inclusion bodies. Last evaluated: 2024-11-18. Review status: criteria provided, single submitter. Criteria: Invitae Variant Classification Sherloc (09022015). Collection method: clinical testing. Allele origin: germline.
Comment: This sequence change replaces alanine, which is neutral and non-polar, with serine, which is neutral and polar, at codon 235 of the SERPINI1 protein (p.Ala235Ser). This variant is present in population databases (rs774334657, gnomAD 0.02%). This variant has not been reported in the literature in individuals affected with SERPINI1-related conditions. ClinVar contains an entry for this variant (Variation ID: 970514). Invitae Evidence Modeling of protein sequence and biophysical properties (such as structural, functional, and spatial information, amino acid conservation, physicochemical variation, residue mobility, and thermodynamic stability) indicates that this missense variant is not expected to disrupt SERPINI1 protein function with a negative predictive value of 95%. In summary, the available evidence is currently insufficient to determine the role of this variant in disease. Therefore, it has been classified as a Variant of Uncertain Significance.